The following is an entry in ClinVar:

NM_152564.5(VPS13B):c.5964A>G (p.Thr1988=)

Gene: VPS13B (vacuolar protein sorting 13 homolog B; plus strand). Cytogenetic location: 8q22.2.
Variant type: single nucleotide variant.
Coding change: c.5964A>G on transcript NM_152564.5 (MANE Select); coding-DNA position 5964, A replaced by G.
Protein change: p.Thr1988=; no amino-acid change (threonine 1988 retained).
Molecular consequence: synonymous variant.
Genome position (GRCh38, 1-based): chr8:99,661,409, A>G. VCF-style: chr8-99661409-A-G. GRCh37 (hg19) VCF-style: chr8-100673637-A-G.
Other names: c.5964A>G (NM_152564.4); c.6039A>G, p.Thr2013= (NM_017890.5).
Identifiers: ClinVar variation 1620143 (VCV001620143.9), dbSNP rs373595694, ClinGen allele CA183017439.

ClinVar aggregate classification (germline): Likely benign. Review status: criteria provided, multiple submitters, no conflicts (2 of 4 stars). 2 submissions from 2 submitters: Likely benign (2). Last evaluated 2026-02-25.

Conditions:
VPS13B-related disorder. Also called: VPS13B-related condition.
Cohen syndrome (COH1). Also called: PEPPER SYNDROME; Cutis verticis gyrata, retinitis pigmentosa, and sensorineural deafness. Identifiers: Orphanet 193, MedGen C0265223, MONDO:0008999, OMIM 216550.

Allele frequency attached by ClinVar (database versions not stated): gnomAD exomes below 0.00001; gnomAD 0.00001; TOPMed 0.00001; ESP Exome Variant Server 0.00008.
gnomAD v4.1: 2 of 1,613,722 alleles (0.00012%); highest among the groups gnomAD compares: Non-Finnish European, 0.00017%; no homozygotes.

Submissions (2):

PreventionGenetics, part of Exact Sciences
Classification: Likely benign for VPS13B-related condition. Last evaluated: 2026-02-25. Review status: criteria provided, single submitter. Criteria: ACMG Guidelines, 2015. Collection method: clinical testing. Allele origin: germline.
Comment: This variant is classified as likely benign based on ACMG/AMP sequence variant interpretation guidelines (Richards et al. 2015 PMID: 25741868, with internal and published modifications).

Labcorp Genetics (formerly Invitae), Labcorp
Classification: Likely benign for Cohen syndrome. Last evaluated: 2023-09-27. Review status: criteria provided, single submitter. Criteria: Invitae Variant Classification Sherloc (09022015). Collection method: clinical testing. Allele origin: germline.